The following is an entry in ClinVar:

ClinVar aggregate classification (germline): Likely benign. Review status: criteria provided, multiple submitters, no conflicts (2 of 4 stars). 5 submissions from 5 submitters: Likely benign (5). Last evaluated 2026-09-14.

Conditions:
CFTR-related disorder (CFTR-RD). Also called: CFTR-related disorders; CFTR-related condition. Identifiers: MedGen C5924204, MONDO:7770004.
Cystic fibrosis (CF). Also called: MUCOVISCIDOSIS. Identifiers: Orphanet 586, MedGen C0010674, MONDO:0009061, OMIM 219700. Disease mechanism: loss of function.

Allele frequency attached by ClinVar (database versions not stated): gnomAD exomes below 0.00001; ExAC 0.00001; gnomAD 0.00003; TOPMed 0.00003.
gnomAD v4.1: 7 of 1,613,900 alleles (0.00043%); highest among the groups gnomAD compares: Admixed American, 0.0067%; no homozygotes.

Submissions (5):

PreventionGenetics, part of Exact Sciences
Classification: Likely benign for CFTR-related condition. Last evaluated: 2026-09-14. Review status: criteria provided, single submitter. Criteria: ACMG Guidelines, 2015. Collection method: clinical testing. Allele origin: germline.
Comment: This variant is classified as likely benign based on ACMG/AMP sequence variant interpretation guidelines (Richards et al. 2015 PMID: 25741868, with internal and published modifications).

Women's Health and Genetics/Laboratory Corporation of America, LabCorp
Classification: Likely benign. Last evaluated: 2025-03-17. Review status: criteria provided, single submitter. Criteria: LabCorp Variant Classification Summary - May 2015. Collection method: clinical testing. Allele origin: germline.

Labcorp Genetics (formerly Invitae), Labcorp
Classification: Likely benign for Cystic fibrosis. Last evaluated: 2024-02-06. Review status: criteria provided, single submitter. Criteria: Invitae Variant Classification Sherloc (09022015). Collection method: clinical testing. Allele origin: germline.

ARUP Laboratories, Molecular Genetics and Genomics, ARUP Laboratories
Classification: Likely benign. Last evaluated: 2023-05-23. Review status: criteria provided, single submitter. Criteria: ARUP Molecular Germline Variant Investigation Process 2024. Collection method: clinical testing. Allele origin: germline.

Ambry Genetics
Classification: Likely benign for Cystic fibrosis. Last evaluated: 2021-05-07. Review status: criteria provided, single submitter. Criteria: Ambry Variant Classification Scheme 2023. Collection method: clinical testing. Allele origin: germline.

NM_000492.4(CFTR):c.1086T>C (p.Tyr362=)

Gene: CFTR (CF transmembrane conductance regulator; plus strand). Cytogenetic location: 7q31.2.
Variant type: single nucleotide variant.
Coding change: c.1086T>C on transcript NM_000492.4 (MANE Select); coding-DNA position 1086, T replaced by C.
Protein change: p.Tyr362=; no amino-acid change (tyrosine 362 retained).
Molecular consequence: synonymous variant.
Genome position (GRCh38, 1-based): chr7:117,540,316, T>C. VCF-style: chr7-117540316-T-C. GRCh37 (hg19) VCF-style: chr7-117180370-T-C.
Identifiers: ClinVar variation 812078 (VCV000812078.20), dbSNP rs397508155, ClinGen allele CA4450887.